The following is an entry in ClinVar:

ClinVar aggregate classification (germline): Uncertain significance. Review status: criteria provided, multiple submitters, no conflicts (2 of 4 stars). 3 submissions from 3 submitters: Uncertain significance (3). Last evaluated 2024-10-03.

Conditions:
Cardiovascular phenotype. Identifiers: MedGen CN230736.
Arrhythmogenic right ventricular dysplasia 10. Also called: Arrhythmogenic Right Ventricular Dysplasia/Cardiomyopathy10; ARRHYTHMOGENIC RIGHT VENTRICULAR DYSPLASIA, FAMILIAL, 10; Arrhythmogenic right ventricular dysplasia/cardiomyopathy, type 10. Identifiers: MedGen C1857777, MONDO:0012434, OMIM 610193.

Allele frequency attached by ClinVar (database versions not stated): TOPMed below 0.00001; gnomAD 0.00001.
gnomAD v4.1: 1 of 1,613,988 alleles (0.000062%); no homozygotes.

Submissions (3):

Ambry Genetics
Classification: Uncertain significance for Cardiovascular phenotype. Last evaluated: 2024-10-03. Review status: criteria provided, single submitter. Criteria: Ambry Variant Classification Scheme 2023. Collection method: clinical testing. Allele origin: germline.

Women's Health and Genetics/Laboratory Corporation of America, LabCorp
Classification: Uncertain significance. Last evaluated: 2024-02-27. Review status: criteria provided, single submitter. Criteria: LabCorp Variant Classification Summary - May 2015. Collection method: clinical testing. Allele origin: germline.
Comment: Variant summary: DSG2 c.2498T>G (p.Phe833Cys) results in a non-conservative amino acid change in the encoded protein sequence. Five of five in-silico tools predict a damaging effect of the variant on protein function. The variant was absent in 249274 control chromosomes. The available data on variant occurrences in the general population are insufficient to allow any conclusion about variant significance. To our knowledge, no occurrence of c.2498T>G in individuals affected with cardiomyopathy and no experimental evidence demonstrating its impact on protein function have been reported. ClinVar contains an entry for this variant (Variation ID: 1060244). Based on the evidence outlined above, the variant was classified as uncertain significance.

Labcorp Genetics (formerly Invitae), Labcorp
Classification: Uncertain significance for Arrhythmogenic right ventricular dysplasia 10. Last evaluated: 2023-10-18. Review status: criteria provided, single submitter. Criteria: Invitae Variant Classification Sherloc (09022015). Collection method: clinical testing. Allele origin: germline.
Comment: This sequence change replaces phenylalanine, which is neutral and non-polar, with cysteine, which is neutral and slightly polar, at codon 833 of the DSG2 protein (p.Phe833Cys). This variant is not present in population databases (gnomAD no frequency). This variant has not been reported in the literature in individuals affected with DSG2-related conditions. ClinVar contains an entry for this variant (Variation ID: 1060244). Advanced modeling of protein sequence and biophysical properties (such as structural, functional, and spatial information, amino acid conservation, physicochemical variation, residue mobility, and thermodynamic stability) has been performed at Invitae for this missense variant, however the output from this modeling did not meet the statistical confidence thresholds required to predict the impact of this variant on DSG2 protein function. In summary, the available evidence is currently insufficient to determine the role of this variant in disease. Therefore, it has been classified as a Variant of Uncertain Significance.

NM_001943.5(DSG2):c.2498T>G (p.Phe833Cys)

Genes: DSG2 (desmoglein 2; plus strand), DSG2-AS1 (DSG2 antisense RNA 1; minus strand). Cytogenetic location: 18q12.1.
Variant type: single nucleotide variant.
Coding change: c.2498T>G on transcript NM_001943.5 (MANE Select); coding-DNA position 2498, T replaced by G.
Protein change: p.Phe833Cys; replaces phenylalanine 833 with cysteine.
Molecular consequence: missense variant. On other transcripts: non-coding transcript variant (1).
Genome position (GRCh38, 1-based): chr18:31,545,884, T>G. VCF-style: chr18-31545884-T-G. GRCh37 (hg19) VCF-style: chr18-29125847-T-G.
Other names: c.2498T>G (NM_001943.3); short protein forms F833C.
Identifiers: ClinVar variation 1060244 (VCV001060244.12), dbSNP rs2073302543, ClinGen allele CA402144724.
Genomic context (GRCh38, chr18:31,545,884, plus strand): 5'-GTTGCAGTTTTATTGAAGGAGAGCTAGATGACCGCTTCTTAGATGATTTGGGACTTAAAT[T>G]CAAGACACTAGCTGAAGTTTGCCTGGGTCAAAAAATAGATATAAATAAGGAAATTGAGCA-3'
Protein context (NP_001934.2, residues 823-843): DRFLDDLGLK[Phe833Cys]KTLAEVCLGQ